The following is an entry in ClinVar:

NM_177438.3(DICER1):c.5127T>G (p.Asp1709Glu)

Gene: DICER1 (dicer 1, ribonuclease III; minus strand). Cytogenetic location: 14q32.13.
Variant type: single nucleotide variant.
Coding change: c.5127T>G on transcript NM_177438.3 (MANE Select); coding-DNA position 5127, T replaced by G.
Protein change: p.Asp1709Glu; replaces aspartic acid 1709 with glutamic acid.
Molecular consequence: missense variant.
Genome position (GRCh38, 1-based): chr14:95,094,125, A>C on the plus strand (T>G on the coding strand, the complement: DICER1 is on the minus strand). VCF-style: chr14-95094125-A-C. GRCh37 (hg19) VCF-style: chr14-95560462-A-C.
Other names: c.5127T>G, p.Asp1709Glu (NM_001195573.1, NM_001271282.3, NM_001291628.2 and 1 more transcripts); short protein forms D1709E.
Identifiers: ClinVar variation 933032 (VCV000933032.3), dbSNP rs1890098663, ClinGen allele CA390865389.

ClinVar aggregate classification (germline): Pathogenic (1 of 4 stars; one submission).

Conditions:
DICER1-related tumor predisposition. Also called: DICER1-related pleuropulmonary blastoma cancer predisposition syndrome; DICER1 syndrome. Identifiers: Orphanet 284343, MedGen C3839822, MONDO:0100216.

Submission:

Foulkes Cancer Genetics LDI, Lady Davis Institute for Medical Research
Classification: Pathogenic for Pleuropulmonary blastoma. Last evaluated: 2019-07-01. Review status: criteria provided, single submitter. Criteria: ACMG Guidelines, 2015. Collection method: curation. Allele origin: somatic. Affected: yes. Observed: 1 variant allele.
Comment: ACMG criteria met: PS3, PM1, PM2, PM7, PP3, PP4, BP1

Literature cited by the submitters: PubMed 29351919; PubMed 30260442.